The following is an entry in ClinVar:

NM_025114.4(CEP290):c.5164A>G (p.Thr1722Ala)

Gene: CEP290 (centrosomal protein 290; minus strand). Cytogenetic location: 12q21.32.
Variant type: single nucleotide variant.
Coding change: c.5164A>G on transcript NM_025114.4 (MANE Select); coding-DNA position 5164, A replaced by G.
Protein change: p.Thr1722Ala; replaces threonine 1722 with alanine.
Molecular consequence: missense variant.
Genome position (GRCh38, 1-based): chr12:88,080,244, T>C on the plus strand (A>G on the coding strand, the complement: CEP290 is on the minus strand). VCF-style: chr12-88080244-T-C. GRCh37 (hg19) VCF-style: chr12-88474021-T-C.
Other names: short protein forms T1722A.
Identifiers: ClinVar variation 696308 (VCV000696308.19), dbSNP rs375817905, ClinGen allele CA6711785.
Genomic context (GRCh38, chr12:88,080,244, plus strand): 5'-TCTGTTGTTTCTCCTTCAAGGCTAATTGGCTCTTTAGCCGTTCTACTAGATTTCTCATTG[T>C]AGTTGTTGGAGCTCTTGAATTTGCTTCTTTTTGAGCCTGAAGTTCAGATTTTAAACACTG-3'
Protein context (NP_079390.3, residues 1712-1732): KEANSRAPTT[Thr1722Ala]MRNLVERLKS

ClinVar aggregate classification (germline): Conflicting classifications of pathogenicity. Review status: criteria provided, conflicting classifications (1 of 4 stars). 7 submissions from 7 submitters: Uncertain significance (4); Likely benign (1). 2 of the submissions do not count toward it. Last evaluated 2026-01-28.

Conditions:
Joubert syndrome. Also called: Familial aplasia of the vermis; JOUBERT-BOLTSHAUSER SYNDROME. Identifiers: Orphanet 475, MedGen C5979921, MONDO:0018772.
Nephronophthisis. Also called: Juvenile Nephronophthisis. Identifiers: Orphanet 655, MedGen C0687120, MONDO:0019005, HP:0000090.
Meckel-Gruber syndrome. Also called: DYSENCEPHALIA SPLANCHNOCYSTICA; GRUBER SYNDROME; Dysencephalia splachnocystica. Identifiers: Orphanet 564, MedGen C0265215, MONDO:0018921.
CEP290-related disorder. Also called: CEP290-related disorders; CEP290-related condition. Identifiers: MedGen CN239314.
Leber congenital amaurosis (LCA). Also called: Leber's amaurosis. Identifiers: Orphanet 65, MedGen C0339527, MeSH D057130, MONDO:0018998.
Senior-Loken syndrome 6 (SLSN6). Identifiers: Orphanet 3156, MedGen C1857779, MONDO:0012433, OMIM 610189.
Joubert syndrome 5 (JBTS5). Identifiers: Orphanet 2318, MedGen C1857780, MONDO:0012432, OMIM 610188.
Bardet-Biedl syndrome 14 (BBS14). Identifiers: Orphanet 110, MedGen C2673874, MONDO:0014442, OMIM 615991.
Leber congenital amaurosis 10 (LCA10). Identifiers: Orphanet 65, MedGen C1857821, MONDO:0012723, OMIM 611755.
Meckel syndrome, type 4 (MKS4). Also called: MECKEL-GRUBER SYNDROME, TYPE 4. Identifiers: Orphanet 564, MedGen C1970161, MONDO:0012626, OMIM 611134.

Allele frequency attached by ClinVar (database versions not stated): ESP Exome Variant Server 0.00008; gnomAD exomes 0.00009 and 0.00013; gnomAD 0.00010; TOPMed 0.00011; ExAC 0.00013.
gnomAD v4.1: 145 of 1,613,650 alleles (0.009%); highest among the groups gnomAD compares: Middle Eastern, 0.016%; no homozygotes.

Submissions (7):

Labcorp Genetics (formerly Invitae), Labcorp
Classification: Likely benign for Joubert syndrome; Meckel-Gruber syndrome; Nephronophthisis. Last evaluated: 2026-01-28. Review status: criteria provided, single submitter. Criteria: Invitae Variant Classification Sherloc (09022015). Collection method: clinical testing. Allele origin: germline.

Blueprint Genetics
Classification: Uncertain significance. Last evaluated: 2024-10-09. Review status: criteria provided, single submitter. Criteria: ACMG Guidelines, 2015. Collection method: clinical testing. Allele origin: germline.

GeneDx
Classification: Uncertain significance. Last evaluated: 2024-05-15. Review status: criteria provided, single submitter. Criteria: GeneDx Variant Classification Process June 2021. Collection method: clinical testing. Allele origin: germline. Affected: yes.
Comment: In silico analysis indicates that this missense variant does not alter protein structure/function; Has not been previously published as pathogenic or benign to our knowledge

Fulgent Genetics
Classification: Uncertain significance for Joubert syndrome 5; Senior-Loken syndrome 6; Meckel syndrome, type 4; Leber congenital amaurosis 10; Bardet-Biedl syndrome 14. Last evaluated: 2024-04-15. Review status: criteria provided, single submitter. Criteria: ACMG Guidelines, 2015. Collection method: clinical testing. Allele origin: germline.

New York Genome Center
Classification: Uncertain significance for Leber congenital amaurosis 10; Senior-Loken syndrome 6; Meckel syndrome, type 4; Joubert syndrome 5. Last evaluated: 2022-04-06. Review status: criteria provided, single submitter. Criteria: NYGC Assertion Criteria 2020. Collection method: clinical testing. Allele origin: germline. Observed: 1 heterozygote.

PreventionGenetics, part of Exact Sciences
Classification: Likely benign for CEP290-related condition. Last evaluated: 2023-08-16. Review status: no assertion criteria provided. Collection method: clinical testing. Allele origin: germline. Not counted in ClinVar's aggregate classification.
Comment: This variant is classified as likely benign based on ACMG/AMP sequence variant interpretation guidelines (Richards et al. 2015 PMID: 25741868, with internal and published modifications).

Natera, Inc.
Classification: Uncertain significance for Leber congenital amaurosis. Last evaluated: 2020-01-24. Review status: no assertion criteria provided. Collection method: clinical testing. Allele origin: germline. Not counted in ClinVar's aggregate classification.